The following is an entry in ClinVar:

ClinVar aggregate classification (germline): Uncertain significance (1 of 4 stars; one submission).

gnomAD v4.1: 9 of 1,595,192 alleles (0.00056%); highest among the groups gnomAD compares: East Asian, 0.009%; no homozygotes.

Submission:

Labcorp Genetics (formerly Invitae), Labcorp
Classification: Uncertain significance. Last evaluated: 2024-06-26. Review status: criteria provided, single submitter. Criteria: Invitae Variant Classification Sherloc (09022015). Collection method: clinical testing. Allele origin: germline.
Comment: This sequence change replaces alanine, which is neutral and non-polar, with valine, which is neutral and non-polar, at codon 766 of the PROM1 protein (p.Ala766Val). The frequency data for this variant in the population databases is considered unreliable, as metrics indicate poor data quality at this position in the gnomAD database. This variant has not been reported in the literature in individuals affected with PROM1-related conditions. Advanced modeling of protein sequence and biophysical properties (such as structural, functional, and spatial information, amino acid conservation, physicochemical variation, residue mobility, and thermodynamic stability) performed at Invitae indicates that this missense variant is not expected to disrupt PROM1 protein function with a negative predictive value of 80%. In summary, the available evidence is currently insufficient to determine the role of this variant in disease. Therefore, it has been classified as a Variant of Uncertain Significance.

NM_006017.3(PROM1):c.2297C>T (p.Ala766Val)

Gene: PROM1 (prominin 1; minus strand). Cytogenetic location: 4p15.32.
Variant type: single nucleotide variant.
Coding change: c.2297C>T on transcript NM_006017.3 (MANE Select); coding-DNA position 2297, C replaced by T.
Protein change: p.Ala766Val; replaces alanine 766 with valine.
Molecular consequence: missense variant.
Genome position (GRCh38, 1-based): chr4:15,984,339, G>A on the plus strand (C>T on the coding strand, the complement: PROM1 is on the minus strand). VCF-style: chr4-15984339-G-A. GRCh37 (hg19) VCF-style: chr4-15985962-G-A.
Other names: c.2270C>T, p.Ala757Val (NM_001145847.2, NM_001145848.2, NM_001145851.2 and 4 more transcripts); c.2297C>T, p.Ala766Val (NM_001145849.2, NM_001145850.2); short protein forms A757V, A766V.
Identifiers: ClinVar variation 3730589 (VCV003730589.2).